The following is an entry in ClinVar:

NM_004519.4(KCNQ3):c.1132C>G (p.Leu378Val)

Gene: KCNQ3 (potassium voltage-gated channel subfamily Q member 3; minus strand). Cytogenetic location: 8q24.22.
Variant type: single nucleotide variant.
Coding change: c.1132C>G on transcript NM_004519.4 (MANE Select); coding-DNA position 1132, C replaced by G.
Protein change: p.Leu378Val; replaces leucine 378 with valine.
Molecular consequence: missense variant.
Genome position (GRCh38, 1-based): chr8:132,172,606, G>C on the plus strand (C>G on the coding strand, the complement: KCNQ3 is on the minus strand). VCF-style: chr8-132172606-G-C. GRCh37 (hg19) VCF-style: chr8-133184853-G-C.
Other names: c.772C>G, p.Leu258Val (NM_001204824.2); short protein forms L258V, L378V.
Identifiers: ClinVar variation 1254648 (VCV001254648.4), dbSNP rs2130121043, ClinGen allele CA372289829.

ClinVar aggregate classification (germline): Uncertain significance (1 of 4 stars; one submission).

Submission:

GeneDx
Classification: Uncertain significance. Last evaluated: 2021-10-27. Review status: criteria provided, single submitter. Criteria: GeneDx Variant Classification Process June 2021. Collection method: clinical testing. Allele origin: germline. Affected: yes.
Comment: Has not been previously published as pathogenic or benign to our knowledge; Not observed at significant frequency in large population cohorts (Lek et al., 2016); In silico analysis supports that this missense variant has a deleterious effect on protein structure/function